The following is an entry in ClinVar:

ClinVar aggregate classification (germline): Conflicting classifications of pathogenicity. Review status: criteria provided, conflicting classifications (1 of 4 stars). 2 submissions from 2 submitters: Likely pathogenic (1); Uncertain significance (1). Last evaluated 2024-06-17.

Conditions:
Retinitis pigmentosa 46 (RP46). Also called: RETINITIS PIGMENTOSA, AUTOSOMAL RECESSIVE, IDH3B-RELATED. Identifiers: Orphanet 791, MedGen C2675496, MONDO:0012943, OMIM 612572.

Submissions (2):

Fulgent Genetics
Classification: Likely pathogenic for Retinitis pigmentosa 46. Last evaluated: 2024-06-17. Review status: criteria provided, single submitter. Criteria: ACMG Guidelines, 2015. Collection method: clinical testing. Allele origin: germline.

Labcorp Genetics (formerly Invitae), Labcorp
Classification: Uncertain significance. Last evaluated: 2021-04-28. Review status: criteria provided, single submitter. Criteria: Invitae Variant Classification Sherloc (09022015). Collection method: clinical testing. Allele origin: germline.
Comment: In summary, the available evidence is currently insufficient to determine the role of this variant in disease. Therefore, it has been classified as a Variant of Uncertain Significance. This variant has not been reported in the literature in individuals with IDH3B-related conditions. This variant is not present in population databases (ExAC no frequency). This sequence change affects the initiator methionine of the IDH3B mRNA. The next in-frame methionine is located at codon 53.

NM_006899.5(IDH3B):c.1A>G (p.Met1Val)

Gene: IDH3B (isocitrate dehydrogenase (NAD(+)) 3 non-catalytic subunit beta; minus strand). Cytogenetic location: 20p13.
Variant type: single nucleotide variant.
Coding change: c.1A>G on transcript NM_006899.5 (MANE Select); coding-DNA position 1, A replaced by G.
Protein change: p.Met1Val; changes the start codon (methionine 1).
Molecular consequence: missense variant, initiator codon variant. On other transcripts: non-coding transcript variant (1).
Genome position (GRCh38, 1-based): chr20:2,664,188, T>C on the plus strand (A>G on the coding strand, the complement: IDH3B is on the minus strand). VCF-style: chr20-2664188-T-C. GRCh37 (hg19) VCF-style: chr20-2644834-T-C.
Other names: c.1A>G, p.Met1Val (NM_001258384.3, NM_001330763.2, NM_174855.4); short protein forms M1V.
Identifiers: ClinVar variation 858491 (VCV000858491.11), dbSNP rs1366785022, ClinGen allele CA408041377.